The following is an entry in ClinVar:

NM_006017.3(PROM1):c.823A>G (p.Ser275Gly)

Gene: PROM1 (prominin 1; minus strand). Cytogenetic location: 4p15.32.
Variant type: single nucleotide variant.
Coding change: c.823A>G on transcript NM_006017.3 (MANE Select); coding-DNA position 823, A replaced by G.
Protein change: p.Ser275Gly; replaces serine 275 with glycine.
Molecular consequence: missense variant.
Genome position (GRCh38, 1-based): chr4:16,018,502, T>C on the plus strand (A>G on the coding strand, the complement: PROM1 is on the minus strand). VCF-style: chr4-16018502-T-C. GRCh37 (hg19) VCF-style: chr4-16020125-T-C.
Other names: c.796A>G, p.Ser266Gly (NM_001145847.2, NM_001145848.2, NM_001145851.2 and 4 more transcripts); c.823A>G, p.Ser275Gly (NM_001145849.2, NM_001145850.2); short protein forms S266G, S275G.
Identifiers: ClinVar variation 2486176 (VCV002486176.3), dbSNP rs1728992062, ClinGen allele CA356420297.
Genomic context (GRCh38, chr4:16,018,502, plus strand): 5'-TCACGCTGGTCAGACTGCTGCTAAGCTGTGTACTTTGTTGGTGCAAGCTCTTCAAGGTGC[T>C]GTTCATGTTCTCCAACGCCTCTTTGGTCTCCTTGATCGCTATGGAAACACAGCCCGCTTC-3'
Protein context (NP_006008.1, residues 265-285): ETKEALENMN[Ser275Gly]TLKSLHQQST

ClinVar aggregate classification (germline): Uncertain significance. Review status: criteria provided, multiple submitters, no conflicts (2 of 4 stars). 2 submissions from 2 submitters: Uncertain significance (2). Last evaluated 2025-12-09.

Conditions:
Inborn genetic diseases. Identifiers: MedGen C0950123, MeSH D030342.

Allele frequency attached by ClinVar (database versions not stated): gnomAD exomes 0.00001.
gnomAD v4.1: 7 of 1,612,258 alleles (0.00043%); highest among the groups gnomAD compares: Non-Finnish European, 0.00059%; no homozygotes.

Submissions (2):

Labcorp Genetics (formerly Invitae), Labcorp
Classification: Uncertain significance. Last evaluated: 2025-12-09. Review status: criteria provided, single submitter. Criteria: Invitae Variant Classification Sherloc (09022015). Collection method: clinical testing. Allele origin: germline.
Comment: This sequence change replaces serine, which is neutral and polar, with glycine, which is neutral and non-polar, at codon 275 of the PROM1 protein (p.Ser275Gly). This variant is not present in population databases (gnomAD no frequency). This variant has not been reported in the literature in individuals affected with PROM1-related conditions. ClinVar contains an entry for this variant (Variation ID: 2486176). Invitae Evidence Modeling of protein sequence and biophysical properties (such as structural, functional, and spatial information, amino acid conservation, physicochemical variation, residue mobility, and thermodynamic stability) indicates that this missense variant is not expected to disrupt PROM1 protein function with a negative predictive value of 80%. In summary, the available evidence is currently insufficient to determine the role of this variant in disease. Therefore, it has been classified as a Variant of Uncertain Significance.

Ambry Genetics
Classification: Uncertain significance for Inborn genetic diseases. Last evaluated: 2023-02-16. Review status: criteria provided, single submitter. Criteria: Ambry Variant Classification Scheme 2023. Collection method: clinical testing. Allele origin: germline.